The following is an entry in ClinVar:

ClinVar aggregate classification (germline): Uncertain significance (1 of 4 stars; one submission).

Conditions:
Leigh syndrome (NULS). Also called: Leigh's necrotizing encephalopathy; Leigh's disease; Leigh Syndrome (mtDNA deletion); Leigh Disease; Subacute necrotizing encephalopathy; Necrotizing encephalopathy infantile subacute of Leigh. Identifiers: Orphanet 506, MedGen C2931891, MONDO:0009723, OMIM 256000.

Submission:

Wong Mito Lab, Molecular and Human Genetics, Baylor College of Medicine
Classification: Uncertain significance for Leigh syndrome. Last evaluated: 2019-10-17. Review status: criteria provided, single submitter. Criteria: Modified ACMG Guidelines (Unpublished). Collection method: clinical testing. Allele origin: germline.
Comment: The NC_012920.1:m.8873G>C (YP_003024031.1:p.Gly116Ala) variant in MTATP6 gene is interpretated to be a Uncertain Significance variant based on the modified ACMG guidelines (unpublished). This variant meets the following evidence codes: PP7, BP4

NC_012920.1(MT-ATP6):m.8873G>C

Gene: MT-ATP6 (mitochondrially encoded ATP synthase 6; plus strand).
Variant type: single nucleotide variant.
Genome position: chrM-8873-G-C.
Identifiers: ClinVar variation 693011 (VCV000693011.1), dbSNP rs1603221864, ClinGen allele CA414798625.
Genomic context (GRCh38, chrMT:8,873, plus strand): 5'-CCCAACTATCTATAAACCTAGCCATGGCCATCCCCTTATGAGCGGGCACAGTGATTATAG[G>C]CTTTCGCTCTAAGATTAAAAATGCCCTAGCCCACTTCTTACCACAAGGCACACCTACACC-3'